The following is an entry in ClinVar:

NM_000059.4(BRCA2):c.5209G>A (p.Asp1737Asn)

Gene: BRCA2 (BRCA2 DNA repair associated; plus strand). Cytogenetic location: 13q13.1.
Variant type: single nucleotide variant.
Coding change: c.5209G>A on transcript NM_000059.4 (MANE Select); coding-DNA position 5209, G replaced by A.
Protein change: p.Asp1737Asn; replaces aspartic acid 1737 with asparagine.
Molecular consequence: missense variant.
Genome position (GRCh38, 1-based): chr13:32,339,564, G>A. VCF-style: chr13-32339564-G-A. GRCh37 (hg19) VCF-style: chr13-32913701-G-A.
Other names: c.5209G>A, p.Asp1737Asn (NM_001406719.1, NM_001406720.1); short protein forms D1737N.
Identifiers: ClinVar variation 1705229 (VCV001705229.4), dbSNP rs1555284106, ClinGen allele CA387784611.

ClinVar aggregate classification (germline): Conflicting classifications of pathogenicity. Review status: criteria provided, conflicting classifications (1 of 4 stars). 3 submissions from 3 submitters: Uncertain significance (2); Likely benign (1). Last evaluated 2026-07-08.

Conditions:
Hereditary cancer-predisposing syndrome. Also called: Tumor predisposition; Hereditary neoplastic syndrome; Neoplastic Syndromes, Hereditary; Hereditary Cancer Syndrome. Identifiers: Orphanet 140162, MedGen C0027672, MeSH D009386, MONDO:0015356.

Submissions (3):

Ambry Genetics
Classification: Uncertain significance for Hereditary cancer-predisposing syndrome. Last evaluated: 2026-07-08. Review status: criteria provided, single submitter. Criteria: Ambry Variant Classification Scheme 2023. Collection method: clinical testing. Allele origin: germline.

University of Washington Department of Laboratory Medicine, University of Washington
Classification: Likely benign for Hereditary cancer-predisposing syndrome. Last evaluated: 2023-03-23. Review status: criteria provided, single submitter. Criteria: Dines et al. (Genet Med. 2020). Collection method: curation. Allele origin: germline.
Comment: Missense variant in a coldspot region where missense variants are very unlikely to be pathogenic (PMID:31911673).

BRCA2 exon 11 coldspot. Reclassification based on statistical prior probability.

Women's Health and Genetics/Laboratory Corporation of America, LabCorp
Classification: Uncertain significance. Last evaluated: 2022-08-29. Review status: criteria provided, single submitter. Criteria: LabCorp Variant Classification Summary - May 2015. Collection method: clinical testing. Allele origin: germline.
Comment: Variant summary: BRCA2 c.5209G>A (p.Asp1737Asn) results in a conservative amino acid change in the encoded protein sequence. Five of five in-silico tools predict a benign effect of the variant on protein function. The variant was absent in 248142 control chromosomes. The available data on variant occurrences in the general population are insufficient to allow any conclusion about variant significance. To our knowledge, no occurrence of c.5209G>A in individuals affected with Hereditary Breast And Ovarian Cancer Syndrome and no experimental evidence demonstrating its impact on protein function have been reported. No clinical diagnostic laboratories have submitted clinical-significance assessments for this variant to ClinVar. Based on the evidence outlined above, the variant was classified as uncertain significance.